The following is an entry in ClinVar:

NM_000267.3(NF1):c.-383_60+?dup443

Genes: MIR4733HG (MIR4733 host gene; minus strand), NF1 (neurofibromin 1; plus strand), LOC111811965 (NF1 (neurofibromin 1) promoter region; plus strand). Cytogenetic location: 17q11.2.
Variant type: Duplication.
Coding change: c.-383_60+?dup443 on transcript NM_000267.3.
Other names: c.-383-?_60+?dup (LRG_214t1).
Identifiers: ClinVar variation 254085 (VCV000254085.1).

ClinVar aggregate classification (germline): Uncertain significance (1 of 4 stars; one submission).

Conditions:
Neurofibromatosis, type 1 (NF1). Also called: NEUROFIBROMATOSIS, TYPE I, SOMATIC; VON RECKLINGHAUSEN DISEASE; Peripheral type neurofibromatosis; Neurofibromatosis, type I. Identifiers: Orphanet 636, MedGen C0027831, MONDO:0018975, OMIM 162200. Disease mechanism: loss of function.

Submission:

Labcorp Genetics (formerly Invitae), Labcorp
Classification: Uncertain significance for Neurofibromatosis, type 1. Last evaluated: 2017-01-10. Review status: criteria provided, single submitter. Criteria: Invitae Variant Classification Sherloc (09022015). Collection method: clinical testing. Allele origin: germline.
Comment: This variant is a gross duplication of the genomic region encompassing exon one of the NF1 gene. The 5' end of this event is unknown as it extends beyond the assayed region for this gene and therefore may encompass additional genes. The 3' boundary is likely confined to intron 1 of the NF1 gene. This variant has not been reported in the literature in individuals with a NF1-related disease. ClinVar contains an entry for this variant (Variation ID: 254085). Experimental studies and prediction algorithms are not available for this variant, and the functional significance of this duplication is currently unknown. In summary, the genomic location of this duplication is unknown and the impact of this variant on NF1 protein function has not been established. Therefore, it has been classified as a Variant of Uncertain Significance.